The following is an entry in ClinVar:

ClinVar aggregate classification (germline): Uncertain significance (1 of 4 stars; one submission).

gnomAD v4.1: 7 of 1,613,078 alleles (0.00043%); highest among the groups gnomAD compares: Middle Eastern, 0.033%; no homozygotes.

Submission:

Labcorp Genetics (formerly Invitae), Labcorp
Classification: Uncertain significance. Last evaluated: 2026-01-05. Review status: criteria provided, single submitter. Criteria: Invitae Variant Classification Sherloc (09022015). Collection method: clinical testing. Allele origin: germline.
Comment: This sequence change replaces alanine, which is neutral and non-polar, with valine, which is neutral and non-polar, at codon 213 of the ZNF408 protein (p.Ala213Val). This variant is present in population databases (rs771510716, gnomAD 0.0009%). This variant has not been reported in the literature in individuals affected with ZNF408-related conditions. An algorithm developed to predict the effect of missense changes on protein structure and function (PolyPhen-2) suggests that this variant is likely to be tolerated. In summary, the available evidence is currently insufficient to determine the role of this variant in disease. Therefore, it has been classified as a Variant of Uncertain Significance.

NM_024741.3(ZNF408):c.638C>T (p.Ala213Val)

Gene: ZNF408 (zinc finger protein 408; plus strand). Cytogenetic location: 11p11.2.
Variant type: single nucleotide variant.
Coding change: c.638C>T on transcript NM_024741.3 (MANE Select); coding-DNA position 638, C replaced by T.
Protein change: p.Ala213Val; replaces alanine 213 with valine.
Molecular consequence: missense variant.
Genome position (GRCh38, 1-based): chr11:46,703,229, C>T. VCF-style: chr11-46703229-C-T. GRCh37 (hg19) VCF-style: chr11-46724779-C-T.
Other names: c.614C>T, p.Ala205Val (NM_001184751.2); short protein forms A213V, A205V.
Identifiers: ClinVar variation 4702880 (VCV004702880.1).